The following is an entry in ClinVar:

NM_022167.4(XYLT2):c.804+9G>C

Gene: XYLT2 (xylosyltransferase 2; plus strand). Cytogenetic location: 17q21.33.
Variant type: single nucleotide variant.
Coding change: c.804+9G>C on transcript NM_022167.4 (MANE Select); 9 bases into the intron after coding-DNA position 804, G replaced by C.
Molecular consequence: intron variant.
Genome position (GRCh38, 1-based): chr17:50,354,592, G>C. VCF-style: chr17-50354592-G-C. GRCh37 (hg19) VCF-style: chr17-48431953-G-C.
Other names: c.804+9G>C (NM_022167.3).
Identifiers: ClinVar variation 1957481 (VCV001957481.6), dbSNP rs994385023, ClinGen allele CA291578730.

ClinVar aggregate classification (germline): Likely benign. Review status: criteria provided, multiple submitters, no conflicts (2 of 4 stars). 2 submissions from 2 submitters: Likely benign (2). Last evaluated 2025-07-31.

Conditions:
XYLT2-related disorder. Also called: XYLT2-related condition.

Allele frequency attached by ClinVar (database versions not stated): gnomAD 0.00001; gnomAD exomes 0.00001; TOPMed 0.00002.

Submissions (2):

PreventionGenetics, part of Exact Sciences
Classification: Likely benign for XYLT2-related condition. Last evaluated: 2025-07-31. Review status: criteria provided, single submitter. Criteria: ACMG Guidelines, 2015. Collection method: clinical testing. Allele origin: germline.
Comment: This variant is classified as likely benign based on ACMG/AMP sequence variant interpretation guidelines (Richards et al. 2015 PMID: 25741868, with internal and published modifications).

Labcorp Genetics (formerly Invitae), Labcorp
Classification: Likely benign. Last evaluated: 2022-10-17. Review status: criteria provided, single submitter. Criteria: Invitae Variant Classification Sherloc (09022015). Collection method: clinical testing. Allele origin: germline.